The following is an entry in ClinVar:

NM_021815.5(SLC5A7):c.265A>G (p.Ile89Val)

Gene: SLC5A7 (solute carrier family 5 member 7; plus strand). Cytogenetic location: 2q12.3.
Variant type: single nucleotide variant.
Coding change: c.265A>G on transcript NM_021815.5 (MANE Select); coding-DNA position 265, A replaced by G.
Protein change: p.Ile89Val; replaces isoleucine 89 with valine.
Molecular consequence: missense variant. On other transcripts: 5 prime UTR variant (2).
Genome position (GRCh38, 1-based): chr2:107,992,192, A>G. VCF-style: chr2-107992192-A-G. GRCh37 (hg19) VCF-style: chr2-108608648-A-G.
Other names: c.265A>G, p.Ile89Val (NM_001305005.3); c.-51A>G (NM_001305006.3); c.-440A>G (NM_001305007.3); short protein forms I89V.
Identifiers: ClinVar variation 261428 (VCV000261428.33), dbSNP rs1013940, ClinGen allele CA1818914.

ClinVar aggregate classification (germline): Benign. Review status: criteria provided, multiple submitters, no conflicts (2 of 4 stars). 7 submissions from 7 submitters: Benign (7). Last evaluated 2026-02-03.

Conditions:
Neuronopathy, distal hereditary motor, type 7A. Also called: Neuronopathy, distal hereditary motor, type viia; HARPER-YOUNG MYOPATHY; HMN VIIA; NEURONOPATHY, DISTAL HEREDITARY MOTOR, HARDING TYPE VIIA; NEUROPATHY, DISTAL HEREDITARY MOTOR, HARDING TYPE VIIA; Neuronopathy, distal hereditary motor, autosomal dominant 7. Identifiers: Orphanet 139589, MedGen C1834703, MONDO:0008024, OMIM 158580.
Congenital myasthenic syndrome 20. Also called: Myasthenic syndrome, congenital, 20, presynaptic. Identifiers: MedGen C4310694, MONDO:0014939, OMIM 617143.

Allele frequency attached by ClinVar (database versions not stated): ESP Exome Variant Server 0.06351; 1000 Genomes Project 30x 0.07433; gnomAD 0.07497 and 0.07512; 1000 Genomes Project 0.07608; TOPMed 0.07784; ExAC 0.08416; gnomAD exomes 0.08579 and 0.09262.
gnomAD v4.1: 136,064 of 1,612,352 alleles (8.4%); highest among the groups gnomAD compares: Admixed American, 19%; 6,649 homozygotes.

Submissions (7):

Labcorp Genetics (formerly Invitae), Labcorp
Classification: Benign for Neuronopathy, distal hereditary motor, type 7A; Congenital myasthenic syndrome 20. Last evaluated: 2026-02-03. Review status: criteria provided, single submitter. Criteria: Invitae Variant Classification Sherloc (09022015). Collection method: clinical testing. Allele origin: germline.

ARUP Laboratories, Molecular Genetics and Genomics, ARUP Laboratories
Classification: Benign. Last evaluated: 2025-07-10. Review status: criteria provided, single submitter. Criteria: ARUP Molecular Germline Variant Investigation Process 2024. Collection method: clinical testing. Allele origin: germline.

Blueprint Genetics
Classification: Benign. Last evaluated: 2024-11-26. Review status: criteria provided, single submitter. Criteria: ACMG Guidelines, 2015. Collection method: clinical testing. Allele origin: germline.

GeneDx
Classification: Benign. Last evaluated: 2018-09-11. Review status: criteria provided, single submitter. Criteria: GeneDx Variant Classification Process June 2021. Collection method: clinical testing. Allele origin: germline. Affected: yes.
Comment: This variant is associated with the following publications: (PMID: 12237312)

Mayo Clinic Laboratories, Mayo Clinic
Classification: Benign. Last evaluated: 2016-03-02. Review status: criteria provided, single submitter. Criteria: ACMG Guidelines, 2015. Collection method: clinical testing. Allele origin: germline. Observed: 285 variant alleles.

Breakthrough Genomics
Classification: Benign. Review status: criteria provided, single submitter. Criteria: ACMG Guidelines, 2015. Collection method: not provided. Allele origin: germline. Inheritance: Autosomal recessive inheritance. Affected: yes.

PreventionGenetics, part of Exact Sciences
Classification: Benign. Review status: criteria provided, single submitter. Criteria: ACMG Guidelines, 2015. Collection method: clinical testing. Allele origin: germline.